The following is an entry in ClinVar:

NM_015425.6(POLR1A):c.1190A>G (p.His397Arg)

Gene: POLR1A (RNA polymerase I subunit A; minus strand). Cytogenetic location: 2p11.2.
Variant type: single nucleotide variant.
Coding change: c.1190A>G on transcript NM_015425.6 (MANE Select); coding-DNA position 1190, A replaced by G.
Protein change: p.His397Arg; replaces histidine 397 with arginine.
Molecular consequence: missense variant.
Genome position (GRCh38, 1-based): chr2:86,078,181, T>C on the plus strand (A>G on the coding strand, the complement: POLR1A is on the minus strand). VCF-style: chr2-86078181-T-C. GRCh37 (hg19) VCF-style: chr2-86305304-T-C.
Other names: short protein forms H397R.
Identifiers: ClinVar variation 2052351 (VCV002052351.4), dbSNP rs757917835, ClinGen allele CA1746426.

ClinVar aggregate classification (germline): Uncertain significance (1 of 4 stars; one submission).

Allele frequency attached by ClinVar (database versions not stated): gnomAD exomes 0.00002; gnomAD 0.00006; ExAC 0.00002; TOPMed 0.00006.
gnomAD v4.1: 36 of 1,613,404 alleles (0.0022%); highest among the groups gnomAD compares: Non-Finnish European, 0.003%; no homozygotes.

Submission:

Labcorp Genetics (formerly Invitae), Labcorp
Classification: Uncertain significance. Last evaluated: 2024-11-06. Review status: criteria provided, single submitter. Criteria: Invitae Variant Classification Sherloc (09022015). Collection method: clinical testing. Allele origin: germline.
Comment: This sequence change replaces histidine, which is basic and polar, with arginine, which is basic and polar, at codon 397 of the POLR1A protein (p.His397Arg). This variant is present in population databases (rs757917835, gnomAD 0.005%). This variant has not been reported in the literature in individuals affected with POLR1A-related conditions. ClinVar contains an entry for this variant (Variation ID: 2052351). Invitae Evidence Modeling of protein sequence and biophysical properties (such as structural, functional, and spatial information, amino acid conservation, physicochemical variation, residue mobility, and thermodynamic stability) has been performed for this missense variant. However, the output from this modeling did not meet the statistical confidence thresholds required to predict the impact of this variant on POLR1A protein function. In summary, the available evidence is currently insufficient to determine the role of this variant in disease. Therefore, it has been classified as a Variant of Uncertain Significance.